The following is an entry in ClinVar:

NM_001381853.1(CHML):c.837C>T (p.Ser279=)

Genes: CHML (CHM like Rab escort protein; minus strand), OPN3 (opsin 3; minus strand). Cytogenetic location: 1q43.
Variant type: single nucleotide variant.
Coding change: c.837C>T on transcript NM_001381853.1 (MANE Select); coding-DNA position 837, C replaced by T.
Protein change: p.Ser279=; no amino-acid change (serine 279 retained).
Molecular consequence: synonymous variant. On other transcripts: 3 prime UTR variant (2), intron variant (1).
Genome position (GRCh38, 1-based): chr1:241,634,930, G>A on the plus strand (C>T on the coding strand, the complement: CHML is on the minus strand). VCF-style: chr1-241634930-G-A. GRCh37 (hg19) VCF-style: chr1-241798232-G-A.
Other names: c.837C>T, p.Ser279= (NM_001381854.1, NM_001821.4); c.*797C>T (NM_001381855.1); c.*1103C>T (NM_001381856.1); c.373+4952C>T (NM_014322.3).
Identifiers: ClinVar variation 4873181 (VCV004873181.2).

ClinVar aggregate classification (germline): Likely benign (1 of 4 stars; one submission).

gnomAD v4.1: 21 of 1,612,556 alleles (0.0013%); highest among the groups gnomAD compares: South Asian, 0.023%; no homozygotes.

Submission:

CeGaT Center for Human Genetics Tuebingen
Classification: Likely benign. Last evaluated: 2026-06-01. Review status: criteria provided, single submitter. Criteria: CeGaT Center For Human Genetics Tuebingen Variant Classification Criteria Version 2. Collection method: clinical testing. Allele origin: germline. Affected: yes. Observed: 1 variant allele.
Comment: CHML: BP4, BP7